The following is an entry in ClinVar:

NM_006005.3(WFS1):c.226G>A (p.Gly76Ser)

Gene: WFS1 (wolframin ER transmembrane glycoprotein; plus strand). Cytogenetic location: 4p16.1.
Variant type: single nucleotide variant.
Coding change: c.226G>A on transcript NM_006005.3 (MANE Select); coding-DNA position 226, G replaced by A.
Protein change: p.Gly76Ser; replaces glycine 76 with serine.
Molecular consequence: missense variant.
Genome position (GRCh38, 1-based): chr4:6,277,681, G>A. VCF-style: chr4-6277681-G-A. GRCh37 (hg19) VCF-style: chr4-6279408-G-A.
Other names: c.226G>A, p.Gly76Ser (NM_001145853.1); short protein forms G76S.
Identifiers: ClinVar variation 1318052 (VCV001318052.12), dbSNP rs566587586, ClinGen allele CA2838821.

ClinVar aggregate classification (germline): Uncertain significance. Review status: criteria provided, multiple submitters, no conflicts (2 of 4 stars). 3 submissions from 3 submitters: Uncertain significance (3). Last evaluated 2025-11-25.

Conditions:
Autosomal dominant nonsyndromic hearing loss 6 (LFSNHL). Also called: Autosomal dominant nonsyndromic deafness 6; DEAFNESS, AUTOSOMAL DOMINANT 6; DEAFNESS, AUTOSOMAL DOMINANT 14; DEAFNESS, AUTOSOMAL DOMINANT 38. Identifiers: Orphanet 90635, MedGen C1833021, MONDO:0010963, OMIM 600965.
Type 2 diabetes mellitus. Also called: Type II diabetes mellitus. Identifiers: MedGen C0011860, MeSH D003924, MONDO:0005148, OMIM 125853, HP:0005978.
Wolfram-like syndrome. Also called: HEARING LOSS, PROGRESSIVE, WITH OPTIC ATROPHY AND/OR IMPAIRED GLUCOSE REGULATION. Identifiers: Orphanet 411590, MedGen C3280358, MONDO:0013673, OMIM 614296.
Cataract 41 (CTRCT41). Also called: CATARACT 41, CONGENITAL NUCLEAR TYPE. Identifiers: Orphanet 91492, Orphanet 98991, Orphanet 98992, Orphanet 98995, MedGen C3805412, MONDO:0007287, OMIM 116400.
Wolfram syndrome 1 (WFS1). Identifiers: Orphanet 3463, MedGen C4551693, MONDO:0009101, OMIM 222300.

Allele frequency attached by ClinVar (database versions not stated): gnomAD 0.00003 and 0.00004; ExAC 0.00005; TOPMed 0.00005; 1000 Genomes Project 30x 0.00016; 1000 Genomes Project 0.00020.

Submissions (3):

Labcorp Genetics (formerly Invitae), Labcorp
Classification: Uncertain significance. Last evaluated: 2025-11-25. Review status: criteria provided, single submitter. Criteria: Invitae Variant Classification Sherloc (09022015). Collection method: clinical testing. Allele origin: germline.
Comment: This sequence change replaces glycine, which is neutral and non-polar, with serine, which is neutral and polar, at codon 76 of the WFS1 protein (p.Gly76Ser). This variant is present in population databases (rs566587586, gnomAD 0.01%). This variant has not been reported in the literature in individuals affected with WFS1-related conditions. ClinVar contains an entry for this variant (Variation ID: 1318052). Invitae Evidence Modeling of protein sequence and biophysical properties (such as structural, functional, and spatial information, amino acid conservation, physicochemical variation, residue mobility, and thermodynamic stability) indicates that this missense variant is not expected to disrupt WFS1 protein function with a negative predictive value of 95%. In summary, the available evidence is currently insufficient to determine the role of this variant in disease. Therefore, it has been classified as a Variant of Uncertain Significance.

GeneDx
Classification: Uncertain significance. Last evaluated: 2024-03-29. Review status: criteria provided, single submitter. Criteria: GeneDx Variant Classification Process June 2021. Collection method: clinical testing. Allele origin: germline. Affected: yes.
Comment: In silico analysis supports that this missense variant does not alter protein structure/function; Has not been previously published as pathogenic or benign to our knowledge

Fulgent Genetics
Classification: Uncertain significance for Cataract 41; Type 2 diabetes mellitus; Wolfram syndrome 1; Autosomal dominant nonsyndromic hearing loss 6; Wolfram-like syndrome. Last evaluated: 2022-03-03. Review status: criteria provided, single submitter. Criteria: ACMG Guidelines, 2015. Collection method: clinical testing. Allele origin: unknown.